The following is an entry in ClinVar:

ClinVar aggregate classification (germline): Conflicting classifications of pathogenicity. Review status: criteria provided, conflicting classifications (1 of 4 stars). 3 submissions from 3 submitters: Uncertain significance (1); Likely benign (2). Last evaluated 2026-01-17.

Conditions:
Inborn genetic diseases. Identifiers: MedGen C0950123, MeSH D030342.
Neuronal ceroid lipofuscinosis. Also called: Neuronal Ceroid Lipofuscinoses. Identifiers: Orphanet 216, Orphanet 79263, MedGen C0027877, MONDO:0016295. Disease mechanism: loss of function.

Allele frequency attached by ClinVar (database versions not stated): gnomAD exomes 0.00001 and 0.00005; TOPMed 0.00001; ExAC 0.00009.

Submissions (3):

Labcorp Genetics (formerly Invitae), Labcorp
Classification: Likely benign for Neuronal ceroid lipofuscinosis. Last evaluated: 2026-01-17. Review status: criteria provided, single submitter. Criteria: Invitae Variant Classification Sherloc (09022015). Collection method: clinical testing. Allele origin: germline.

GeneDx
Classification: Uncertain significance. Last evaluated: 2023-06-20. Review status: criteria provided, single submitter. Criteria: GeneDx Variant Classification Process June 2021. Collection method: clinical testing. Allele origin: germline. Affected: yes.
Comment: In silico analysis supports that this variant does not alter splicing; Has not been previously published as pathogenic or benign to our knowledge

Ambry Genetics
Classification: Likely benign for Inborn genetic diseases. Last evaluated: 2016-08-22. Review status: criteria provided, single submitter. Criteria: Ambry Variant Classification Scheme 2023. Collection method: clinical testing. Allele origin: germline.

NM_001909.5(CTSD):c.37C>T (p.Leu13=)

Gene: CTSD (cathepsin D; minus strand). Cytogenetic location: 11p15.5.
Variant type: single nucleotide variant.
Coding change: c.37C>T on transcript NM_001909.5 (MANE Select); coding-DNA position 37, C replaced by T.
Protein change: p.Leu13=; no amino-acid change (leucine 13 retained).
Molecular consequence: synonymous variant.
Genome position (GRCh38, 1-based): chr11:1,763,823, G>A on the plus strand (C>T on the coding strand, the complement: CTSD is on the minus strand). VCF-style: chr11-1763823-G-A. GRCh37 (hg19) VCF-style: chr11-1785053-G-A.
Identifiers: ClinVar variation 588174 (VCV000588174.9), dbSNP rs763474887, ClinGen allele CA5814332.
Genomic context (GRCh38, chr11:1,763,823, plus strand): 5'-TCCCTGAGCCCCGGCCCCTGAGGCTTCACCTGACGAGCGCGGAGGCGGGTGCAGCCAGCA[G>A]GCAGAGGGCGAGCGGCAGAAGGCTGGAGGGCTGCATGGCGGCGGCGGCCGGGTCGGAGAG-3'
Protein context (NP_001900.1, residues 3-23): PSSLLPLALC[Leu13=]LAAPASALVR